The following is an entry in ClinVar:

NM_152703.5(SAMD9L):c.4248T>A (p.Phe1416Leu)

Gene: SAMD9L (sterile alpha motif domain containing 9 like; minus strand). Cytogenetic location: 7q21.2.
Variant type: single nucleotide variant.
Coding change: c.4248T>A on transcript NM_152703.5 (MANE Select); coding-DNA position 4248, T replaced by A.
Protein change: p.Phe1416Leu; replaces phenylalanine 1416 with leucine.
Molecular consequence: missense variant.
Genome position (GRCh38, 1-based): chr7:93,131,724, A>T on the plus strand (T>A on the coding strand, the complement: SAMD9L is on the minus strand). VCF-style: chr7-93131724-A-T. GRCh37 (hg19) VCF-style: chr7-92761037-A-T.
Other names: c.4248T>A, p.Phe1416Leu (NM_001303496.3, NM_001303497.3, NM_001303498.3 and 5 more transcripts); short protein forms F1416L.
Identifiers: ClinVar variation 4863988 (VCV004863988.1).

ClinVar aggregate classification (germline): Uncertain significance (1 of 4 stars; one submission).

Conditions:
Inborn genetic diseases. Identifiers: MedGen C0950123, MeSH D030342.

Submission:

Ambry Genetics
Classification: Uncertain significance for Inborn genetic diseases. Last evaluated: 2026-05-14. Review status: criteria provided, single submitter. Criteria: Ambry Variant Classification Scheme 2023. Collection method: clinical testing. Allele origin: germline.
Comment: The p.F1416L variant (also known as c.4248T>A), located in coding exon 1 of the SAMD9L gene, results from a T to A substitution at nucleotide position 4248. The phenylalanine at codon 1416 is replaced by leucine, an amino acid with highly similar properties. This amino acid position is conserved. In addition, this alteration is predicted to be tolerated by in silico analysis. Based on the available evidence, the clinical significance of this variant remains unclear.